The following is an entry in ClinVar:

ClinVar aggregate classification (germline): Uncertain significance (1 of 4 stars; one submission).

Conditions:
Gastrointestinal stromal tumor. Also called: Gastrointestinal stromal tumor, somatic; Gastrointestinal stroma tumor. Identifiers: Orphanet 44890, MedGen C0238198, MeSH D046152, MONDO:0011719, OMIM 606764, HP:0100723.

Submission:

Labcorp Genetics (formerly Invitae), Labcorp
Classification: Uncertain significance for Gastrointestinal stromal tumor. Last evaluated: 2024-04-04. Review status: criteria provided, single submitter. Criteria: Invitae Variant Classification Sherloc (09022015). Collection method: clinical testing. Allele origin: germline.
Comment: This sequence change replaces threonine, which is neutral and polar, with asparagine, which is neutral and polar, at codon 523 of the KIT protein (p.Thr523Asn). This variant is not present in population databases (gnomAD no frequency). This variant has not been reported in the literature in individuals affected with KIT-related conditions. An algorithm developed to predict the effect of missense changes on protein structure and function (PolyPhen-2) suggests that this variant is likely to be tolerated. In summary, the available evidence is currently insufficient to determine the role of this variant in disease. Therefore, it has been classified as a Variant of Uncertain Significance.

NM_000222.3(KIT):c.1568C>A (p.Thr523Asn)

Gene: KIT (KIT proto-oncogene, receptor tyrosine kinase; plus strand). Cytogenetic location: 4q12.
Variant type: single nucleotide variant.
Coding change: c.1568C>A on transcript NM_000222.3 (MANE Select); coding-DNA position 1568, C replaced by A.
Protein change: p.Thr523Asn; replaces threonine 523 with asparagine.
Molecular consequence: missense variant.
Genome position (GRCh38, 1-based): chr4:54,727,245, C>A. VCF-style: chr4-54727245-C-A. GRCh37 (hg19) VCF-style: chr4-55593411-C-A.
Other names: c.1571C>A, p.Thr524Asn (NM_001385284.1, NM_001385290.1); c.1568C>A, p.Thr523Asn (NM_001385285.1); c.1556C>A, p.Thr519Asn (NM_001385286.1, NM_001093772.2); c.1559C>A, p.Thr520Asn (NM_001385288.1, NM_001385292.1); short protein forms T520N, T519N, T524N, T523N.
Identifiers: ClinVar variation 3648759 (VCV003648759.2).